The following is an entry in ClinVar:

NM_020361.5(CPA6):c.757T>G (p.Trp253Gly)

Genes: ARFGEF1-DT (ARFGEF1 divergent transcript; plus strand), CPA6 (carboxypeptidase A6; minus strand). Cytogenetic location: 8q13.2.
Variant type: single nucleotide variant.
Coding change: c.757T>G on transcript NM_020361.5 (MANE Select); coding-DNA position 757, T replaced by G.
Protein change: p.Trp253Gly; replaces tryptophan 253 with glycine.
Molecular consequence: missense variant.
Genome position (GRCh38, 1-based): chr8:67,483,849, A>C on the plus strand (T>G on the coding strand, the complement: CPA6 is on the minus strand). VCF-style: chr8-67483849-A-C. GRCh37 (hg19) VCF-style: chr8-68396084-A-C.
Other names: short protein forms W253G.
Identifiers: ClinVar variation 472763 (VCV000472763.9), dbSNP rs781369203, ClinGen allele CA371260939.

ClinVar aggregate classification (germline): Uncertain significance. Review status: criteria provided, multiple submitters, no conflicts (2 of 4 stars). 2 submissions from 2 submitters: Uncertain significance (2). Last evaluated 2021-08-27.

Conditions:
Familial temporal lobe epilepsy 5. Identifiers: MedGen C3280730, MONDO:0013741, OMIM 614417.
Febrile seizures, familial, 11 (FEB11). Also called: CONVULSIONS, FAMILIAL FEBRILE, 11. Identifiers: MedGen C3280734, MONDO:0024566, OMIM 614418.

Allele frequency attached by ClinVar (database versions not stated): TOPMed below 0.00001.

Submissions (2):

New York Genome Center
Classification: Uncertain significance for Febrile seizures, familial, 11; Familial temporal lobe epilepsy 5. Last evaluated: 2021-08-27. Review status: criteria provided, single submitter. Criteria: NYGC Assertion Criteria 2020. Collection method: clinical testing. Allele origin: inherited. Observed: 1 heterozygote. Study: CSER-NYCKidSeq.
Comment: The inherited c.757T>G, p.Trp253Gly missense variant in CPA6 has not been reported in the literature for CPA6-related disorders. This variant is absent in the gnomAD v3.1.1 database, suggesting it is not a common benign variant in the populations represented in this database. In silico tools predicts conflicting interpretations of pathogenicity. The variant resides at Zinc carboxypeptidase domain. Based on the available evidence, the missense variant c.757T>G,p.Trp253Gly in the CPA6 gene is classified as a Variant of Uncertain Significance.

Labcorp Genetics (formerly Invitae), Labcorp
Classification: Uncertain significance for Febrile seizures, familial, 11. Last evaluated: 2020-02-01. Review status: criteria provided, single submitter. Criteria: Invitae Variant Classification Sherloc (09022015). Collection method: clinical testing. Allele origin: germline.
Comment: This sequence change replaces tryptophan with glycine at codon 253 of the CPA6 protein (p.Trp253Gly). The tryptophan residue is highly conserved and there is a large physicochemical difference between tryptophan and glycine. In summary, this variant is a novel missense change with uncertain impact on protein function. It has been classified as a Variant of Uncertain Significance. Algorithms developed to predict the effect of missense changes on protein structure and function do not agree on the potential impact of this missense change (SIFT: "Deleterious"; PolyPhen-2: "Probably Damaging"; Align-GVGD: "Class C0"). This variant is not present in population databases (ExAC no frequency) and has not been reported in the literature in individuals with a CPA6-related disease.